The following is an entry in ClinVar:

ClinVar aggregate classification (germline): Likely benign (0 of 4 stars; one submission).

Conditions:
SDCCAG8-related disorder. Also called: SDCCAG8-Related Disorders; SDCCAG8-related condition.

Submission:

PreventionGenetics, part of Exact Sciences
Classification: Likely benign for SDCCAG8-related condition. Last evaluated: 2020-12-31. Review status: no assertion criteria provided. Collection method: clinical testing. Allele origin: germline.
Comment: This variant is classified as likely benign based on ACMG/AMP sequence variant interpretation guidelines (Richards et al. 2015 PMID: 25741868, with internal and published modifications).

NM_006642.5(SDCCAG8):c.231C>T (p.Leu77=)

Gene: SDCCAG8 (SHH signaling and ciliogenesis regulator SDCCAG8; plus strand). Cytogenetic location: 1q43.
Variant type: single nucleotide variant.
Coding change: c.231C>T on transcript NM_006642.5 (MANE Select); coding-DNA position 231, C replaced by T.
Protein change: p.Leu77=; no amino-acid change (leucine 77 retained).
Molecular consequence: synonymous variant. On other transcripts: 5 prime UTR variant (4).
Genome position (GRCh38, 1-based): chr1:243,270,988, C>T. VCF-style: chr1-243270988-C-T. GRCh37 (hg19) VCF-style: chr1-243434290-C-T.
Other names: c.-882C>T (NM_001350246.2); c.-770C>T (NM_001350247.2); c.231C>T, p.Leu77= (NM_001350248.2); c.-64C>T (NM_001350249.2); c.-1143C>T (NM_001350251.2).
Identifiers: ClinVar variation 3358492 (VCV003358492.1).
Genomic context (GRCh38, chr1:243,270,988, plus strand): 5'-AACCATGGATCTCAAATAAGGTTAATAAACCCTCTGCTTTTGCTCTATAGTTAATCAGCT[C>T]AAAGATTTGTTGCGCCAACAAGCAGATAAGGAAAGTGAAGTATCTCCGTCAAGAAGAAGA-3'
Protein context (NP_006633.1, residues 67-87): ELQQSHAVNQ[Leu77=]KDLLRQQADK